The following is an entry in ClinVar:

ClinVar aggregate classification (germline): Conflicting classifications of pathogenicity. Review status: criteria provided, conflicting classifications (1 of 4 stars). 2 submissions from 2 submitters: Likely pathogenic (1); Uncertain significance (1). Last evaluated 2022-12-24.

Conditions:
MAFB-related disorder. Also called: MAFB-related condition.

Submissions (2):

Labcorp Genetics (formerly Invitae), Labcorp
Classification: Uncertain significance. Last evaluated: 2022-12-24. Review status: criteria provided, single submitter. Criteria: Invitae Variant Classification Sherloc (09022015). Collection method: clinical testing. Allele origin: germline.
Comment: In summary, the available evidence is currently insufficient to determine the role of this variant in disease. Therefore, it has been classified as a Variant of Uncertain Significance. Advanced modeling of protein sequence and biophysical properties (such as structural, functional, and spatial information, amino acid conservation, physicochemical variation, residue mobility, and thermodynamic stability) performed at Invitae indicates that this missense variant is expected to disrupt MAFB protein function. This missense change has been observed in individuals with multicentric carpotarsal osteolysis (MCO) and/or steroid-resistant nephrotic syndrome (PMID: 23956186, 32604935; Invitae). This variant is not present in population databases (gnomAD no frequency). This sequence change replaces serine, which is neutral and polar, with isoleucine, which is neutral and non-polar, at codon 65 of the MAFB protein (p.Ser65Ile).

Blueprint Genetics
Classification: Likely pathogenic for MAFB-related disorders. Last evaluated: 2022-12-19. Review status: criteria provided, single submitter. Criteria: ACMG Guidelines, 2015. Collection method: clinical testing. Allele origin: germline. Affected: yes. Observed: 1 variant allele.

Literature cited by the submitters: PubMed 23956186 (cited by Labcorp Genetics (formerly Invitae), Labcorp); PubMed 32604935 (cited by Labcorp Genetics (formerly Invitae), Labcorp).

NM_005461.5(MAFB):c.194G>T (p.Ser65Ile)

Gene: MAFB (MAF bZIP transcription factor B; minus strand). Cytogenetic location: 20q12.
Variant type: single nucleotide variant.
Coding change: c.194G>T on transcript NM_005461.5 (MANE Select); coding-DNA position 194, G replaced by T.
Protein change: p.Ser65Ile; replaces serine 65 with isoleucine.
Molecular consequence: missense variant.
Genome position (GRCh38, 1-based): chr20:40,688,657, C>A on the plus strand (G>T on the coding strand, the complement: MAFB is on the minus strand). VCF-style: chr20-40688657-C-A. GRCh37 (hg19) VCF-style: chr20-39317297-C-A.
Other names: short protein forms S65I.
Identifiers: ClinVar variation 2736965 (VCV002736965.4), dbSNP rs1261578040, ClinGen allele CA408941697.